The following is an entry in ClinVar:

NM_003239.5(TGFB3):c.50T>G (p.Phe17Cys)

Gene: TGFB3 (transforming growth factor beta 3; minus strand). Cytogenetic location: 14q24.3.
Variant type: single nucleotide variant.
Coding change: c.50T>G on transcript NM_003239.5 (MANE Select); coding-DNA position 50, T replaced by G.
Protein change: p.Phe17Cys; replaces phenylalanine 17 with cysteine.
Molecular consequence: missense variant.
Genome position (GRCh38, 1-based): chr14:75,980,844, A>C on the plus strand (T>G on the coding strand, the complement: TGFB3 is on the minus strand). VCF-style: chr14-75980844-A-C. GRCh37 (hg19) VCF-style: chr14-76447187-A-C.
Other names: c.50T>G, p.Phe17Cys (NM_001329938.2, NM_001329939.2); short protein forms F17C.
Identifiers: ClinVar variation 2149468 (VCV002149468.6), dbSNP rs776354980, ClinGen allele CA7280527.

ClinVar aggregate classification (germline): Uncertain significance. Review status: criteria provided, multiple submitters, no conflicts (2 of 4 stars). 4 submissions from 4 submitters: Uncertain significance (4). Last evaluated 2025-06-02.

Conditions:
Arrhythmogenic right ventricular dysplasia 1. Identifiers: Orphanet 3403, MedGen C1862511, MONDO:0007152, OMIM 107970.
Rienhoff syndrome. Also called: LOEYS-DIETZ SYNDROME 5. Identifiers: MedGen C3810012, MONDO:0014262, OMIM 615582.
Familial thoracic aortic aneurysm and aortic dissection (TAAD). Also called: Thoracic aortic aneurysms and dissections. Identifiers: Orphanet 91387, MedGen C4707243, MONDO:0019625.

Allele frequency attached by ClinVar (database versions not stated): TOPMed below 0.00001; ExAC 0.00001; gnomAD 0.00001; gnomAD exomes 0.00001.
gnomAD v4.1: 18 of 1,614,016 alleles (0.0011%); highest among the groups gnomAD compares: Non-Finnish European, 0.0014%; no homozygotes.

Submissions (4):

GeneDx
Classification: Uncertain significance. Last evaluated: 2025-06-02. Review status: criteria provided, single submitter. Criteria: GeneDx Variant Classification Process June 2021. Collection method: clinical testing. Allele origin: germline. Affected: yes.
Comment: Not observed at significant frequency in large population cohorts (gnomAD); In silico analysis suggests that this missense variant does not alter protein structure/function; Has not been previously published as pathogenic or benign to our knowledge

Fulgent Genetics
Classification: Uncertain significance for Arrhythmogenic right ventricular dysplasia 1; Rienhoff syndrome. Last evaluated: 2024-01-09. Review status: criteria provided, single submitter. Criteria: ACMG Guidelines, 2015. Collection method: clinical testing. Allele origin: germline.

Labcorp Genetics (formerly Invitae), Labcorp
Classification: Uncertain significance for Rienhoff syndrome. Last evaluated: 2023-02-11. Review status: criteria provided, single submitter. Criteria: Invitae Variant Classification Sherloc (09022015). Collection method: clinical testing. Allele origin: germline.
Comment: In summary, the available evidence is currently insufficient to determine the role of this variant in disease. Therefore, it has been classified as a Variant of Uncertain Significance. Algorithms developed to predict the effect of missense changes on protein structure and function (SIFT, PolyPhen-2, Align-GVGD) all suggest that this variant is likely to be tolerated. This missense change has been observed in individual(s) with clinical features of Loeys-Dietz syndrome (Invitae). This variant is present in population databases (rs776354980, gnomAD 0.007%). This sequence change replaces phenylalanine, which is neutral and non-polar, with cysteine, which is neutral and slightly polar, at codon 17 of the TGFB3 protein (p.Phe17Cys).

CHEO Genetics Diagnostic Laboratory, Children's Hospital of Eastern Ontario
Classification: Uncertain significance for Familial thoracic aortic aneurysm and aortic dissection. Last evaluated: 2023-01-09. Review status: criteria provided, single submitter. Criteria: ACMG Guidelines, 2015. Collection method: clinical testing. Allele origin: germline.